The following is an entry in ClinVar:

NM_001369.3(DNAH5):c.7647C>G (p.Tyr2549Ter)

Gene: DNAH5 (dynein axonemal heavy chain 5; minus strand). Cytogenetic location: 5p15.2.
Variant type: single nucleotide variant.
Coding change: c.7647C>G on transcript NM_001369.3 (MANE Select); coding-DNA position 7647, C replaced by G.
Protein change: p.Tyr2549Ter; replaces tyrosine 2549 with a stop codon.
Molecular consequence: nonsense.
Genome position (GRCh38, 1-based): chr5:13,809,149, G>C on the plus strand (C>G on the coding strand, the complement: DNAH5 is on the minus strand). VCF-style: chr5-13809149-G-C. GRCh37 (hg19) VCF-style: chr5-13809258-G-C.
Other names: short protein forms Y2549*.
Identifiers: ClinVar variation 2767687 (VCV002767687.4), dbSNP rs2546801150, ClinGen allele CA359230931.

ClinVar aggregate classification (germline): Pathogenic/Likely pathogenic. Review status: criteria provided, multiple submitters, no conflicts (2 of 4 stars). 2 submissions from 2 submitters: Pathogenic (1); Likely pathogenic (1). Last evaluated 2024-04-01.

Conditions:
Primary ciliary dyskinesia 3. Identifiers: Orphanet 244, MedGen C1837618, MONDO:0012085, OMIM 608644.
Primary ciliary dyskinesia. Also called: Ciliary dyskinesia. Identifiers: Orphanet 244, MedGen C0008780, MONDO:0016575, HP:0012265.

Submissions (2):

Labcorp Genetics (formerly Invitae), Labcorp
Classification: Pathogenic for Primary ciliary dyskinesia. Last evaluated: 2024-04-01. Review status: criteria provided, single submitter. Criteria: Invitae Variant Classification Sherloc (09022015). Collection method: clinical testing. Allele origin: germline.
Comment: This sequence change creates a premature translational stop signal (p.Tyr2549*) in the DNAH5 gene. It is expected to result in an absent or disrupted protein product. Loss-of-function variants in DNAH5 are known to be pathogenic (PMID: 11788826, 16627867). This variant is not present in population databases (gnomAD no frequency). This variant has not been reported in the literature in individuals affected with DNAH5-related conditions. Algorithms developed to predict the effect of sequence changes on RNA splicing suggest that this variant may disrupt the consensus splice site. For these reasons, this variant has been classified as Pathogenic.

Fulgent Genetics
Classification: Likely pathogenic for Primary ciliary dyskinesia 3. Last evaluated: 2024-02-14. Review status: criteria provided, single submitter. Criteria: ACMG Guidelines, 2015. Collection method: clinical testing. Allele origin: germline.

Literature cited by the submitters: PubMed 11788826 (cited by Labcorp Genetics (formerly Invitae), Labcorp); PubMed 16627867 (cited by Labcorp Genetics (formerly Invitae), Labcorp).